The following is an entry in ClinVar:

ClinVar aggregate classification (germline): Conflicting classifications of pathogenicity. Review status: criteria provided, conflicting classifications (1 of 4 stars). 17 submissions from 17 submitters: Pathogenic (2); Likely pathogenic (7); Uncertain significance (5). 3 of the submissions do not count toward it. Last evaluated 2025-12-29.

Conditions:
Ovarian cancer. Also called: OVARIAN CANCER, SOMATIC. Identifiers: Orphanet 213500, MedGen C1140680, MONDO:0008170, OMIM 167000.
Fanconi anemia complementation group J. Also called: BRIP1-Related Fanconi Anemia. Identifiers: Orphanet 84, MedGen C1836860, MONDO:0012187, OMIM 609054.
BRIP1-related disorder. Also called: BRIP1-related condition; BRIP1-related disorders. Identifiers: MedGen CN239206.
Hereditary cancer-predisposing syndrome. Also called: Neoplastic Syndromes, Hereditary; Tumor predisposition; Hereditary neoplastic syndrome; Hereditary Cancer Syndrome. Identifiers: Orphanet 140162, MedGen C0027672, MeSH D009386, MONDO:0015356.
Familial cancer of breast. Also called: Hereditary breast cancer; hereditary breast carcinoma; BREAST CANCER, FAMILIAL. Identifiers: Orphanet 227535, MedGen C0346153, MONDO:0016419, OMIM 114480. Disease mechanism: loss of function.
Hereditary breast ovarian cancer syndrome. Also called: Breast and ovarian cancer; BRCA1- and BRCA2-Associated Hereditary Breast and Ovarian Cancer; Hereditary breast and/or ovarian cancer syndrome; Hereditary breast and ovarian cancer syndrome; Hereditary breast and ovarian cancer; Hereditary breast and ovarian cancer syndrome (HBOC). Identifiers: Orphanet 145, MedGen C0677776, MeSH D061325, MONDO:0003582. Disease mechanism: loss of function.
Neurodevelopmental delay. Identifiers: MedGen C4022738, HP:0012758.

Allele frequency attached by ClinVar (database versions not stated): gnomAD exomes below 0.00001; TOPMed 0.00002; gnomAD 0.00003; ESP Exome Variant Server 0.00008.
gnomAD v4.1: 10 of 1,613,508 alleles (0.00062%); highest among the groups gnomAD compares: African/African-American, 0.004%; no homozygotes.

Submissions 1 to 8 of 17:

Center for Genomic Medicine, Rigshospitalet, Copenhagen University Hospital
Classification: Uncertain significance. Last evaluated: 2025-12-29. Review status: criteria provided, single submitter. Criteria: ACMG Guidelines, 2015. Collection method: clinical testing. Allele origin: germline.
Comment: Classification criteria: PP3, PM3, PM2_supporting, PS3_supporting

Labcorp Genetics (formerly Invitae), Labcorp
Classification: Pathogenic for Familial cancer of breast; Fanconi anemia complementation group J. Last evaluated: 2025-12-24. Review status: criteria provided, single submitter. Criteria: Invitae Variant Classification Sherloc (09022015). Collection method: clinical testing. Allele origin: germline.
Comment: This sequence change replaces arginine, which is basic and polar, with histidine, which is basic and polar, at codon 848 of the BRIP1 protein (p.Arg848His). This variant is present in population databases (rs374334794, gnomAD 0.01%). This missense change has been observed in individual(s) with breast cancer, Fanconi anemia, melanoma, and/or ovarian cancer (PMID: 26790966, 27074266, 29368626, 31558676, 33028645). It has also been observed to segregate with disease in related individuals. ClinVar contains an entry for this variant (Variation ID: 141499). Invitae Evidence Modeling of protein sequence and biophysical properties (such as structural, functional, and spatial information, amino acid conservation, physicochemical variation, residue mobility, and thermodynamic stability) indicates that this missense variant is expected to disrupt BRIP1 protein function with a positive predictive value of 95%. Experimental studies have shown that this missense change affects BRIP1 function (PMID: 33028645). RNA analysis performed to evaluate the impact of this missense change on mRNA splicing indicates it does not significantly alter splicing (internal data). For these reasons, this variant has been classified as Pathogenic.

Genomic Medicine Center of Excellence, King Faisal Specialist Hospital and Research Centre
Classification: Uncertain significance for Fanconi anemia complementation group J. Last evaluated: 2025-09-10. Review status: criteria provided, single submitter. Criteria: ACMG Guidelines, 2015. Collection method: clinical testing. Allele origin: germline.

First Genomix Gene Laboratory, Genetic Diagnostics Department
Classification: Likely pathogenic for Fanconi anemia complementation group J. Last evaluated: 2025-06-20. Review status: criteria provided, single submitter. Criteria: ACMG Guidelines, 2015. Collection method: clinical testing. Allele origin: germline. Inheritance: Autosomal recessive inheritance. Affected: no. Observed: 1 variant allele.

Color Diagnostics, LLC DBA Color Health
Classification: Likely pathogenic for Hereditary cancer-predisposing syndrome. Last evaluated: 2025-04-21. Review status: criteria provided, single submitter. Criteria: ACMG Guidelines, 2015. Collection method: clinical testing. Allele origin: germline.
Comment: This missense variant replaces arginine with histidine at codon 848 of the BRIP1 protein. Computational prediction suggests that this variant may have deleterious impact on protein structure and function. A function study has reported that this variant lacks helicase activity in vitro (PMID: 33028645). This variant has been observed in at least seven individuals affected with breast and/or ovarian cancer (PMID: 26790966, 27074266, 29368626, 33471991Leiden Open Variation Database DB-ID BRIP1_000121Color internal data). In one of the individual affected with ovarian cancer, the proband and other carrier family members were also affected with cutaneous malignant melanoma, squamous cell carcinoma of the skin and liver cancer (PMID: 27074266). This variant also has been reported in at least two homozygous carriers diagnosed with Fanconi anemia (PMID: 31558676, 33028645). In one Fanconi anemia case, the carrier lymphocytes were confirmed to exhibit chromosomal breakage after mitomycin C treatment (PMID: 33028645). This variant also has been reported in unaffected individuals in cancer case-control studies (PMID: 31214711, 32980694, 33471991Leiden Open Variation Database DB-ID BRIP1_000121). This variant has been identified in 1/31386 chromosomes in the general population by the Genome Aggregation Database (gnomAD). Based on the available evidence, this variant is classified as Likely Pathogenic.

Ambry Genetics
Classification: Likely pathogenic for Hereditary cancer-predisposing syndrome. Last evaluated: 2024-12-24. Review status: criteria provided, single submitter. Criteria: Ambry Variant Classification Scheme 2023. Collection method: clinical testing. Allele origin: germline.
Comment: The p.R848H variant (also known as c.2543G>A), located in coding exon 17 of the BRIP1 gene, results from a G to A substitution at nucleotide position 2543. The arginine at codon 848 is replaced by histidine, an amino acid with highly similar properties. This alteration was also seen in a Swedish melanoma family and segregated with disease in three individuals (Tuominen R et al. Genes Chromosomes Cancer. 2016 Jul;55(7):601-11). This variant has also been reported in the homozygous state in multiple individuals diagnosed with Fanconi anemia (Steinberg-Shemer O et al. Haematologica, 2020 07;105:1825-1834, Kamal L et al. Cold Spring Harb Mol Case Stud, 2020 10;6:). In vitro functional studies showed that this variant has deficient helicase activity, however, the physiological relevance of this finding is unclear (Kamal L et al. Cold Spring Harb Mol Case Stud, 2020 10;6). This amino acid position is highly conserved in available vertebrate species. In addition, this alteration is predicted to be deleterious by in silico analysis. Based on the majority of available evidence to date, this variant is likely to be pathogenic.

PreventionGenetics, part of Exact Sciences
Classification: Likely pathogenic for BRIP1-related condition. Last evaluated: 2024-12-12. Review status: criteria provided, single submitter. Criteria: ACMG Guidelines, 2015. Collection method: clinical testing. Allele origin: germline.
Comment: The BRIP1 c.2543G>A variant is predicted to result in the amino acid substitution p.Arg848His. This variant was reported in individuals with a personal and family history of breast and ovarian cancer (Kim et al. 2016. PubMed ID: 26790966; Weber-Lassalle et al. 2018. PubMed ID: 29368626) and in the homozygous state in two family members and one unrelated individual with Fanconi Anemia (Kamal et al. 2020. PubMed ID: 33028645; Steinberg-Shemer et al. 2019. PubMed ID: 31558676). This variant was also reported to segregate with disease in a family undergoing genetic testing for cutaneous malignant melanoma (Fig. 1A, Tuominen et al. 2016. PubMed ID: 27074266). Functional analysis demonstrated this variant leads to a defect in BRIP1 helicase activity (Kamal et al. 2020. PubMed ID: 33028645). This variant is reported in 0.011% of alleles in individuals of African descent in gnomAD. This variant has conflicting interpretations of pathogenicity in ClinVar ranging from uncertain significance to pathogenic. We interpret this variant as likely pathogenic.

German Consortium for Hereditary Breast and Ovarian Cancer, University Hospital Cologne
Classification: Likely pathogenic for Hereditary breast ovarian cancer syndrome. Last evaluated: 2024-09-09. Review status: criteria provided, single submitter. Criteria: ACMG Guidelines, 2015. Collection method: curation. Allele origin: germline.
Comment: According to the ACMG SVI adaptation criteria we chose these criteria: PS3 (strong pathogenic): Kamal et al. (2020) PMID:33028645, PM2 (supporting pathogenic): gnomAD 4.1.0: 0,0006% gnomAD 3.1 (non-cancer): 0, PM3 (medium pathogenic): homozygous in 2 individuals with FA by Kamal (2020), PMID: 33028645 (in one FA case, the carrier lymphocytes were confirmed to exhibit chromosomal breakage after mitomycin C treatment) + homozygous in 1 individual with FA by Steinberg-Shemer (2020), PMID: 31558676, PP3 (supporting pathogenic): REVEL: 0.93

NM_032043.3(BRIP1):c.2543G>A (p.Arg848His)

Gene: BRIP1 (BRCA1 interacting DNA helicase 1; minus strand). Cytogenetic location: 17q23.2.
Variant type: single nucleotide variant.
Coding change: c.2543G>A on transcript NM_032043.3 (MANE Select); coding-DNA position 2543, G replaced by A.
Protein change: p.Arg848His; replaces arginine 848 with histidine.
Molecular consequence: missense variant.
Genome position (GRCh38, 1-based): chr17:61,693,462, C>T on the plus strand (G>A on the coding strand, the complement: BRIP1 is on the minus strand). VCF-style: chr17-61693462-C-T. GRCh37 (hg19) VCF-style: chr17-59770823-C-T.
Other names: short protein forms R848H.
Identifiers: ClinVar variation 141499 (VCV000141499.44), dbSNP rs374334794, ClinGen allele CA165626.
Genomic context (GRCh38, chr17:61,693,462, plus strand): 5'-TTTACTCTAAGCCCAGCTGAGATCTTACCAGATATATAGCGACTTGGGTTATTCCTAAAG[C>T]GATCATCCACTAGAATAAGAGCTCCCCAATCATTTCTGTGTCTAATACATCTAGAAAAAA-3'
Protein context (NP_114432.2, residues 838-858): DWGALILVDD[Arg848His]FRNNPSRYIS